The following is an entry in ClinVar:

NM_004006.3(DMD):c.6959T>C (p.Ile2320Thr)

Gene: DMD (dystrophin; minus strand). Cytogenetic location: Xp21.1.
Variant type: single nucleotide variant.
Coding change: c.6959T>C on transcript NM_004006.3 (MANE Select); coding-DNA position 6959, T replaced by C.
Protein change: p.Ile2320Thr; replaces isoleucine 2320 with threonine.
Molecular consequence: missense variant. On other transcripts: 5 prime UTR variant (5).
Genome position (GRCh38, 1-based): chrX:31,875,327, A>G on the plus strand (T>C on the coding strand, the complement: DMD is on the minus strand). VCF-style: chrX-31875327-A-G. GRCh37 (hg19) VCF-style: chrX-31893444-A-G.
Other names: c.6935T>C, p.Ile2312Thr (NM_000109.4); c.6947T>C, p.Ile2316Thr (NM_004009.3); c.6590T>C, p.Ile2197Thr (NM_004010.3); c.2936T>C, p.Ile979Thr (NM_004011.4); c.2927T>C, p.Ile976Thr (NM_004012.4); c.-422T>C (NM_004013.3, NM_004020.4, NM_004021.3 and 2 more transcripts); short protein forms I2320T, I976T, I2316T, I2312T, I2197T, I979T.
Identifiers: ClinVar variation 2744039 (VCV002744039.3), dbSNP rs2532456178, ClinGen allele CA412660171.
Genomic context (GRCh38, chrX:31,875,327, plus strand): 5'-AGATGATTTAACTGCTCTTCAAGGTCTTCAAGCTTTTTTTCAAGCTGCCCAAGGTCTTTT[A>G]TTTGAGCTTCAATTTCTCCTTGTTTCTCAGGTAAAGCTCTGGAAACCTGAAAGGAAAATA-3'
Protein context (NP_003997.2, residues 2310-2330): PEKQGEIEAQ[Ile2320Thr]KDLGQLEKKL

ClinVar aggregate classification (germline): Uncertain significance (1 of 4 stars; one submission).

Conditions:
Duchenne muscular dystrophy (DMD). Also called: MUSCULAR DYSTROPHY, PSEUDOHYPERTROPHIC PROGRESSIVE, DUCHENNE TYPE; Duchenne Muscular Dystrophy (DMD). Identifiers: Orphanet 98896, MedGen C0013264, MONDO:0010679, OMIM 310200.

Submission:

Labcorp Genetics (formerly Invitae), Labcorp
Classification: Uncertain significance for Duchenne muscular dystrophy. Last evaluated: 2023-10-25. Review status: criteria provided, single submitter. Criteria: Invitae Variant Classification Sherloc (09022015). Collection method: clinical testing. Allele origin: germline.
Comment: This sequence change replaces isoleucine, which is neutral and non-polar, with threonine, which is neutral and polar, at codon 2320 of the DMD protein (p.Ile2320Thr). This variant is not present in population databases (gnomAD no frequency). This variant has not been reported in the literature in individuals affected with DMD-related conditions. Advanced modeling of protein sequence and biophysical properties (such as structural, functional, and spatial information, amino acid conservation, physicochemical variation, residue mobility, and thermodynamic stability) performed at Invitae indicates that this missense variant is not expected to disrupt DMD protein function with a negative predictive value of 95%. In summary, the available evidence is currently insufficient to determine the role of this variant in disease. Therefore, it has been classified as a Variant of Uncertain Significance.